The following is an entry in ClinVar:

NM_004826.4(ECEL1):c.966+1G>A

Gene: ECEL1 (endothelin converting enzyme like 1; minus strand). Cytogenetic location: 2q37.1.
Variant type: single nucleotide variant.
Coding change: c.966+1G>A on transcript NM_004826.4 (MANE Select); the canonical splice donor site of the intron after coding-DNA position 966, G replaced by A.
Molecular consequence: splice donor variant.
Genome position (GRCh38, 1-based): chr2:232,484,980, C>T on the plus strand (G>A on the coding strand, the complement: ECEL1 is on the minus strand). VCF-style: chr2-232484980-C-T. GRCh37 (hg19) VCF-style: chr2-233349690-C-T.
Other names: c.966+1G>A (NM_001290787.2).
Identifiers: ClinVar variation 3770938 (VCV003770938.14).

ClinVar aggregate classification (germline): Pathogenic. Review status: criteria provided, multiple submitters, no conflicts (2 of 4 stars). 2 submissions from 2 submitters: Pathogenic (2). Last evaluated 2025-09-10.

Conditions:
Distal arthrogryposis type 5D (DA5D). Identifiers: Orphanet 329457, MedGen C3554415, MONDO:0014028, OMIM 615065.

Submissions (2):

Genomic Medicine Center of Excellence, King Faisal Specialist Hospital and Research Centre
Classification: Pathogenic for Distal arthrogryposis type 5D. Last evaluated: 2025-09-10. Review status: criteria provided, single submitter. Criteria: ACMG Guidelines, 2015. Collection method: clinical testing. Allele origin: germline.

CeGaT Center for Human Genetics Tuebingen
Classification: Pathogenic. Last evaluated: 2025-06-01. Review status: criteria provided, single submitter. Criteria: CeGaT Center For Human Genetics Tuebingen Variant Classification Criteria Version 2. Collection method: clinical testing. Allele origin: germline. Affected: yes. Observed: 2 variant alleles.
Comment: ECEL1: PM3:Strong, PVS1:Strong, PM2